The following is an entry in ClinVar:

NM_152641.4(ARID2):c.1524T>C (p.His508=)

Gene: ARID2 (AT-rich interaction domain 2; plus strand). Cytogenetic location: 12q12.
Variant type: single nucleotide variant.
Coding change: c.1524T>C on transcript NM_152641.4 (MANE Select); coding-DNA position 1524, T replaced by C.
Protein change: p.His508=; no amino-acid change (histidine 508 retained).
Molecular consequence: synonymous variant.
Genome position (GRCh38, 1-based): chr12:45,846,881, T>C. VCF-style: chr12-45846881-T-C. GRCh37 (hg19) VCF-style: chr12-46240664-T-C.
Other names: c.1524T>C, p.His508= (NM_001347839.2).
Identifiers: ClinVar variation 782128 (VCV000782128.29), dbSNP rs61925813, ClinGen allele CA6526160.

ClinVar aggregate classification (germline): Benign. Review status: criteria provided, multiple submitters, no conflicts (2 of 4 stars). 3 submissions from 3 submitters: Benign (3). Last evaluated 2026-06-01.

Allele frequency attached by ClinVar (database versions not stated): 1000 Genomes Project 30x 0.00078; 1000 Genomes Project 0.00100; gnomAD exomes 0.00360 and 0.00571; TOPMed 0.00360; gnomAD 0.00383 and 0.00417; ExAC 0.00385; ESP Exome Variant Server 0.00538.
gnomAD v4.1: 8,909 of 1,613,144 alleles (0.55%); highest among the groups gnomAD compares: Non-Finnish European, 0.69%; 34 homozygotes.

Submissions (3):

CeGaT Center for Human Genetics Tuebingen
Classification: Benign. Last evaluated: 2026-06-01. Review status: criteria provided, single submitter. Criteria: CeGaT Center For Human Genetics Tuebingen Variant Classification Criteria Version 2. Collection method: clinical testing. Allele origin: germline. Affected: yes. Observed: 33 variant alleles.
Comment: ARID2: BP4, BP7, BS1, BS2

Labcorp Genetics (formerly Invitae), Labcorp
Classification: Benign. Last evaluated: 2019-12-31. Review status: criteria provided, single submitter. Criteria: Invitae Variant Classification Sherloc (09022015). Collection method: clinical testing. Allele origin: germline.

Breakthrough Genomics
Classification: Benign. Review status: criteria provided, single submitter. Criteria: ACMG Guidelines, 2015. Collection method: not provided. Allele origin: germline. Inheritance: Autosomal dominant inheritance. Affected: yes.